The following is an entry in ClinVar:

ClinVar aggregate classification (germline): Pathogenic (1 of 4 stars; one submission).

Conditions:
Primary ciliary dyskinesia. Also called: Ciliary dyskinesia. Identifiers: Orphanet 244, MedGen C0008780, MONDO:0016575, HP:0012265.

Submission:

Labcorp Genetics (formerly Invitae), Labcorp
Classification: Pathogenic for Primary ciliary dyskinesia. Last evaluated: 2025-02-10. Review status: criteria provided, single submitter. Criteria: Invitae Variant Classification Sherloc (09022015). Collection method: clinical testing. Allele origin: germline.
Comment: This sequence change creates a premature translational stop signal (p.Ser785Glnfs*14) in the DNAAF5 gene. It is expected to result in an absent or disrupted protein product. Loss-of-function variants in DNAAF5 are known to be pathogenic (PMID: 24307375, 25232951). This variant is not present in population databases (gnomAD no frequency). This variant has not been reported in the literature in individuals affected with DNAAF5-related conditions. For these reasons, this variant has been classified as Pathogenic.

Literature cited by the submitters: PubMed 24307375; PubMed 25232951.

NM_017802.4(DNAAF5):c.2353_2354del (p.Ser785fs)

Gene: DNAAF5 (dynein axonemal assembly factor 5; plus strand). Cytogenetic location: 7p22.3.
Variant type: Microsatellite.
Coding change: c.2353_2354del on transcript NM_017802.4 (MANE Select); coding-DNA positions 2353 to 2354, 2 bases deleted (AG; older notation c.2353_2354delAG).
Protein change: p.Ser785fs; shifts the reading frame from serine 785.
Molecular consequence: frameshift variant. On other transcripts: non-coding transcript variant (1).
Genome position (GRCh38, 1-based): chr7:780,066-780,067, AG deleted; deleting any 2 consecutive bases within chr7:780,064-780,067 gives the same sequence; the c. name uses the placement nearest the transcript's 3' end. VCF-style (leftmost placement, unchanged base first): chr7-780063-CAG-C. GRCh37 (hg19) VCF-style: chr7-819700-CAG-C.
Other names: short protein forms S785fs.
Identifiers: ClinVar variation 241202 (VCV000241202.7), dbSNP rs878855036, ClinGen allele CA10582542.